The following is an entry in ClinVar:

NM_000091.5(COL4A3):c.664G>A (p.Val222Met)

Genes: COL4A3 (collagen type IV alpha 3 chain; plus strand), MFF-DT (MFF divergent transcript; minus strand). Cytogenetic location: 2q36.3.
Variant type: single nucleotide variant.
Coding change: c.664G>A on transcript NM_000091.5 (MANE Select); coding-DNA position 664, G replaced by A.
Protein change: p.Val222Met; replaces valine 222 with methionine.
Molecular consequence: missense variant.
Genome position (GRCh38, 1-based): chr2:227,253,314, G>A. VCF-style: chr2-227253314-G-A. GRCh37 (hg19) VCF-style: chr2-228118030-G-A.
Other names: short protein forms V222M.
Identifiers: ClinVar variation 3706888 (VCV003706888.2).

ClinVar aggregate classification (germline): Uncertain significance (1 of 4 stars; one submission).

Submission:

Labcorp Genetics (formerly Invitae), Labcorp
Classification: Uncertain significance. Last evaluated: 2024-11-27. Review status: criteria provided, single submitter. Criteria: Invitae Variant Classification Sherloc (09022015). Collection method: clinical testing. Allele origin: germline.
Comment: This sequence change replaces valine, which is neutral and non-polar, with methionine, which is neutral and non-polar, at codon 222 of the COL4A3 protein (p.Val222Met). This variant is present in population databases (rs748548607, gnomAD 0.006%). This variant has not been reported in the literature in individuals affected with COL4A3-related conditions. Invitae Evidence Modeling of protein sequence and biophysical properties (such as structural, functional, and spatial information, amino acid conservation, physicochemical variation, residue mobility, and thermodynamic stability) indicates that this missense variant is not expected to disrupt COL4A3 protein function with a negative predictive value of 95%. In summary, the available evidence is currently insufficient to determine the role of this variant in disease. Therefore, it has been classified as a Variant of Uncertain Significance.